The following is an entry in ClinVar:

NM_000552.5(VWF):c.5227G>A (p.Val1743Met)

Gene: VWF (von Willebrand factor; minus strand). Cytogenetic location: 12p13.31.
Variant type: single nucleotide variant.
Coding change: c.5227G>A on transcript NM_000552.5 (MANE Select); coding-DNA position 5227, G replaced by A.
Protein change: p.Val1743Met; replaces valine 1743 with methionine.
Molecular consequence: missense variant.
Genome position (GRCh38, 1-based): chr12:6,016,600, C>T on the plus strand (G>A on the coding strand, the complement: VWF is on the minus strand). VCF-style: chr12-6016600-C-T. GRCh37 (hg19) VCF-style: chr12-6125766-C-T.
Other names: p.Val1743Met; c.5227G>A (NM_000552.3); short protein forms V1743M.
Identifiers: ClinVar variation 801307 (VCV000801307.6), dbSNP rs781770261, ClinGen allele CA6402341.
Genomic context (GRCh38, chr12:6,016,600, plus strand): 5'-GCTGCATGACGTCCACAAGGCTCAGCAAATGGGCTTTCTCCGGGACCACGTTCCATGGCA[C>T]GTCAATGGTGGTGATGCTTCCATACTGCAGCACTGACACCTGAGTGAGACGAGGCCCTAA-3'
Protein context (NP_000543.3, residues 1733-1753): LQYGSITTID[Val1743Met]PWNVVPEKAH

ClinVar aggregate classification (germline): Uncertain significance. Review status: criteria provided, multiple submitters, no conflicts (2 of 4 stars). 3 submissions from 3 submitters: Uncertain significance (3). Last evaluated 2026-05-10.

Conditions:
Inborn genetic diseases. Identifiers: MedGen C0950123, MeSH D030342.

Allele frequency attached by ClinVar (database versions not stated): gnomAD exomes 0.00001 and below 0.00001; gnomAD 0.00006 and 0.00007; TOPMed 0.00017; ExAC 0.00001.
gnomAD v4.1: 20 of 1,614,046 alleles (0.0012%); highest among the groups gnomAD compares: Admixed American, 0.02%; no homozygotes.

Submissions (3):

Ambry Genetics
Classification: Uncertain significance for Inborn genetic diseases. Last evaluated: 2026-05-10. Review status: criteria provided, single submitter. Criteria: Ambry Variant Classification Scheme 2023. Collection method: clinical testing. Allele origin: germline.

Mayo Clinic Laboratories, Mayo Clinic
Classification: Uncertain significance. Last evaluated: 2024-08-26. Review status: criteria provided, single submitter. Criteria: ACMG Guidelines, 2015. Collection method: clinical testing. Allele origin: germline. Observed: 3 variant alleles.
Comment: PM2_moderate

Quest Diagnostics Nichols Institute San Juan Capistrano
Classification: Uncertain significance. Last evaluated: 2019-04-16. Review status: criteria provided, single submitter. Criteria: Quest Diagnostics criteria. Collection method: clinical testing. Allele origin: germline.